The following is an entry in ClinVar:

ClinVar aggregate classification (germline): Uncertain significance (1 of 4 stars; one submission).

Allele frequency attached by ClinVar (database versions not stated): ExAC 0.00001; gnomAD exomes 0.00001 and 0.00002; TOPMed 0.00001.

Submission:

Labcorp Genetics (formerly Invitae), Labcorp
Classification: Uncertain significance. Last evaluated: 2022-06-03. Review status: criteria provided, single submitter. Criteria: Invitae Variant Classification Sherloc (09022015). Collection method: clinical testing. Allele origin: germline.
Comment: In summary, the available evidence is currently insufficient to determine the role of this variant in disease. Therefore, it has been classified as a Variant of Uncertain Significance. Algorithms developed to predict the effect of sequence changes on RNA splicing suggest that this variant may create or strengthen a splice site. Algorithms developed to predict the effect of missense changes on protein structure and function output the following: SIFT: "Tolerated"; PolyPhen-2: "Benign"; Align-GVGD: "Class C0". The glutamic acid amino acid residue is found in multiple mammalian species, which suggests that this missense change does not adversely affect protein function. ClinVar contains an entry for this variant (Variation ID: 1370706). This variant has not been reported in the literature in individuals affected with IFNAR1-related conditions. This variant is present in population databases (rs770688662, gnomAD 0.01%). This sequence change replaces lysine, which is basic and polar, with glutamic acid, which is acidic and polar, at codon 354 of the IFNAR1 protein (p.Lys354Glu).

NM_000629.3(IFNAR1):c.1060A>G (p.Lys354Glu)

Gene: IFNAR1 (interferon alpha and beta receptor subunit 1; plus strand). Cytogenetic location: 21q22.11.
Variant type: single nucleotide variant.
Coding change: c.1060A>G on transcript NM_000629.3 (MANE Select); coding-DNA position 1060, A replaced by G.
Protein change: p.Lys354Glu; replaces lysine 354 with glutamic acid.
Molecular consequence: missense variant.
Genome position (GRCh38, 1-based): chr21:33,349,460, A>G. VCF-style: chr21-33349460-A-G. GRCh37 (hg19) VCF-style: chr21-34721766-A-G.
Other names: c.1060A>G, p.Lys354Glu (NM_001384498.1, NM_001384499.1, NM_001384503.1); c.298A>G, p.Lys100Glu (NM_001384500.1); c.1045A>G, p.Lys349Glu (NM_001384501.1); c.598A>G, p.Lys200Glu (NM_001384502.1); c.853A>G, p.Lys285Glu (NM_001384504.1); short protein forms K200E, K100E, K285E, K354E, K349E.
Identifiers: ClinVar variation 1370706 (VCV001370706.7), dbSNP rs770688662, ClinGen allele CA10006651.
Genomic context (GRCh38, chr21:33,349,460, plus strand): 5'-CCTCCAGTCTTTAACATTAGATCCCTTAGTGATTCATTCCATATCTATATCGGTGCTCCA[A>G]AACAGTCTGGAAACACGCCTGTGATCCAGGATTATCCACTGATTTATGAAATTATTTTTT-3'
Protein context (NP_000620.2, residues 344-364): DSFHIYIGAP[Lys354Glu]QSGNTPVIQD